The following is an entry in ClinVar:

ClinVar aggregate classification (germline): Uncertain significance. Review status: criteria provided, multiple submitters, no conflicts (2 of 4 stars). 2 submissions from 2 submitters: Uncertain significance (2). Last evaluated 2025-12-04.

Conditions:
Inborn genetic diseases. Identifiers: MedGen C0950123, MeSH D030342.

Allele frequency attached by ClinVar (database versions not stated): TOPMed 0.00001; gnomAD 0.00002; gnomAD exomes 0.00001.
gnomAD v4.1: 5 of 1,192,310 alleles (0.00042%); highest among the groups gnomAD compares: Admixed American, 0.012%; no homozygotes.

Submissions (2):

Ambry Genetics
Classification: Uncertain significance for Inborn genetic diseases. Last evaluated: 2025-12-04. Review status: criteria provided, single submitter. Criteria: Ambry Variant Classification Scheme 2023. Collection method: clinical testing. Allele origin: germline.

GeneDx
Classification: Uncertain significance. Last evaluated: 2025-09-04. Review status: criteria provided, single submitter. Criteria: GeneDx Variant Classification Process June 2021. Collection method: clinical testing. Allele origin: germline. Affected: yes.
Comment: Has not been previously published as pathogenic or benign to our knowledge; Not observed at significant frequency in large population cohorts (gnomAD); In silico analysis suggests that this missense variant does not alter protein structure/function

NM_005676.5(RBM10):c.1357T>A (p.Ser453Thr)

Gene: RBM10 (RNA binding motif protein 10; plus strand). Cytogenetic location: Xp11.3.
Variant type: single nucleotide variant.
Coding change: c.1357T>A on transcript NM_005676.5 (MANE Select); coding-DNA position 1357, T replaced by A.
Protein change: p.Ser453Thr; replaces serine 453 with threonine.
Molecular consequence: missense variant.
Genome position (GRCh38, 1-based): chrX:47,181,323, T>A. VCF-style: chrX-47181323-T-A. GRCh37 (hg19) VCF-style: chrX-47040722-T-A.
Other names: c.1354T>A, p.Ser452Thr (NM_001204467.2); c.1552T>A, p.Ser518Thr (NM_001204468.2); c.1123T>A, p.Ser375Thr (NM_152856.3); c.1126T>A, p.Ser376Thr (NM_001204466.2); short protein forms S375T, S376T, S452T, S453T, S518T.
Identifiers: ClinVar variation 1701012 (VCV001701012.4), dbSNP rs1935513196, ClinGen allele CA412801029.
Genomic context (GRCh38, chrX:47,181,323, plus strand): 5'-GTCGACTACAGCTACTACCAACAGGATGAGGGCTATGGCAACAGCCAGGGCACAGAGTCT[T>A]CCCTCTATGCCCATGGCTACCTCAAGGGCACCAAGGGCCCTGGCATCACTGGAACCAAAG-3'
Protein context (NP_005667.2, residues 443-463): GYGNSQGTES[Ser453Thr]LYAHGYLKGT